The following is an entry in ClinVar:

NM_001861.6(COX4I1):c.122G>A (p.Arg41Gln)

Gene: COX4I1 (cytochrome c oxidase subunit 4I1; plus strand). Cytogenetic location: 16q24.1.
Variant type: single nucleotide variant.
Coding change: c.122G>A on transcript NM_001861.6 (MANE Select); coding-DNA position 122, G replaced by A.
Protein change: p.Arg41Gln; replaces arginine 41 with glutamine.
Molecular consequence: missense variant. On other transcripts: 5 prime UTR variant (1).
Genome position (GRCh38, 1-based): chr16:85,804,985, G>A. VCF-style: chr16-85804985-G-A. GRCh37 (hg19) VCF-style: chr16-85838591-G-A.
Other names: c.122G>A, p.Arg41Gln (NM_001318786.3, NM_001318788.2, NM_001318794.2); c.8G>A, p.Arg3Gln (NM_001318797.3); c.-105G>A (NM_001318802.2); c.122G>A (NM_001861.3, NM_001861.4); short protein forms R3Q, R41Q.
Identifiers: ClinVar variation 2646944 (VCV002646944.26), dbSNP rs149461099, ClinGen allele CA8216538.

ClinVar aggregate classification (germline): Conflicting classifications of pathogenicity. Review status: criteria provided, conflicting classifications (1 of 4 stars). 3 submissions from 3 submitters: Uncertain significance (2); Likely benign (1). Last evaluated 2026-04-08.

Conditions:
COX4I1-related disorder. Also called: COX4I1-related condition.

Allele frequency attached by ClinVar (database versions not stated): gnomAD exomes 0.00001; TOPMed 0.00006; ESP Exome Variant Server 0.00015; 1000 Genomes Project 30x 0.00016; 1000 Genomes Project 0.00020.

Submissions (3):

PreventionGenetics, part of Exact Sciences
Classification: Uncertain significance for COX4I1-related condition. Last evaluated: 2026-04-08. Review status: criteria provided, single submitter. Criteria: ACMG Guidelines, 2015. Collection method: clinical testing. Allele origin: germline.
Comment: The COX4I1 c.122G>A variant is predicted to result in the amino acid substitution p.Arg41Gln. To our knowledge, this variant has not been reported in the literature. This variant is reported in 0.018% of alleles in individuals of African descent in gnomAD. At this time, the clinical significance of this variant is uncertain due to the absence of conclusive functional and genetic evidence.

Ambry Genetics
Classification: Uncertain significance. Last evaluated: 2024-11-08. Review status: criteria provided, single submitter. Criteria: Ambry Variant Classification Scheme 2023. Collection method: clinical testing. Allele origin: germline.

CeGaT Center for Human Genetics Tuebingen
Classification: Likely benign. Last evaluated: 2022-11-01. Review status: criteria provided, single submitter. Criteria: CeGaT Center For Human Genetics Tuebingen Variant Classification Criteria Version 2. Collection method: clinical testing. Allele origin: germline. Affected: yes. Observed: 1 variant allele.
Comment: COX4I1: BP4